The following is an entry in ClinVar:

ClinVar aggregate classification (germline): Uncertain significance. Review status: criteria provided, multiple submitters, no conflicts (2 of 4 stars). 2 submissions from 2 submitters: Uncertain significance (2). Last evaluated 2026-03-29.

Conditions:
Cerebellar dysfunction with variable cognitive and behavioral abnormalities (CECBA). Also called: Nonprogressive cerebellar atxia with intellectual disability. Identifiers: Orphanet 314647, MedGen C3553661, MONDO:0013886, OMIM 614756.

Submissions (2):

Victorian Clinical Genetics Services, Murdoch Childrens Research Institute
Classification: Uncertain significance for Cerebellar dysfunction with variable cognitive and behavioral abnormalities. Last evaluated: 2026-03-29. Review status: criteria provided, single submitter. Criteria: ACMG Guidelines, 2015. Collection method: clinical testing. Allele origin: germline. Affected: yes.
Comment: This variant is classified as VUS-3C. Evidence in support of pathogenic classification: Variant is present in gnomAD <0.001 for a dominant condition (v2: 1 heterozygote(s), 0 homozygote(s)). Evidence in support of benign classification: Missense variant predicted to be tolerated by in silico tool(s) or not conserved in placental mammals with a minor amino acid change. Additional information: Variant is predicted to result in a missense amino acid change from Pro to Leu; This variant is heterozygous; This gene is associated with autosomal dominant disease; Alternative amino acid change(s) at the same position are present in gnomAD (highest allele count: v4: 436 heterozygote(s), 1 homozygote(s)); Previous evidence of pathogenicity for this variant is inconclusive. This variant has been classified as a VUS by a clinical laboratory in ClinVar; No published evidence of segregation with disease has been identified for this variant; No published functional evidence has been identified for this variant; Another missense variant comparable to the one identified in this case has inconclusive previous evidence for pathogenicity. p.(Pro1219Ala) has been classified as benign/likely benign by multiple clinical laboratories in ClinVar; Variant is not located in an established domain, motif, hotspot or informative constraint region; Loss of function is a known mechanism of disease in this gene and is associated with cerebellar dysfunction with variable cognitive and behavioural abnormalities (MIM#614756); Inheritance information for this variant is not currently available in this individual.

Labcorp Genetics (formerly Invitae), Labcorp
Classification: Uncertain significance. Last evaluated: 2025-09-27. Review status: criteria provided, single submitter. Criteria: Invitae Variant Classification Sherloc (09022015). Collection method: clinical testing. Allele origin: germline.
Comment: This sequence change replaces proline, which is neutral and non-polar, with leucine, which is neutral and non-polar, at codon 1219 of the CAMTA1 protein (p.Pro1219Leu). This variant is present in population databases (rs751125153, gnomAD 0.002%). This variant has not been reported in the literature in individuals affected with CAMTA1-related conditions. An algorithm developed to predict the effect of missense changes on protein structure and function (PolyPhen-2) suggests that this variant is likely to be tolerated. In summary, the available evidence is currently insufficient to determine the role of this variant in disease. Therefore, it has been classified as a Variant of Uncertain Significance.

NM_015215.4(CAMTA1):c.3656C>T (p.Pro1219Leu)

Gene: CAMTA1 (calmodulin binding transcription activator 1; plus strand). Cytogenetic location: 1p36.23.
Variant type: single nucleotide variant.
Coding change: c.3656C>T on transcript NM_015215.4 (MANE Select); coding-DNA position 3656, C replaced by T.
Protein change: p.Pro1219Leu; replaces proline 1219 with leucine.
Molecular consequence: missense variant.
Genome position (GRCh38, 1-based): chr1:7,737,568, C>T. VCF-style: chr1-7737568-C-T. GRCh37 (hg19) VCF-style: chr1-7797628-C-T.
Other names: c.3566C>T, p.Pro1189Leu (NM_001349608.2, NM_001349612.2); c.3656C>T, p.Pro1219Leu (NM_001349609.2, NM_001349610.2, NM_001410737.1); c.785C>T, p.Pro262Leu (NM_001349613.1); c.728C>T, p.Pro243Leu (NM_001349614.1, NM_001349615.2, NM_001349616.2 and 10 more transcripts); c.3584C>T, p.Pro1195Leu (NM_001410738.1); short protein forms P262L, P243L, P1189L, P1219L, P1195L.
Identifiers: ClinVar variation 4772019 (VCV004772019.2).